The following is an entry in ClinVar:

ClinVar aggregate classification (germline): Conflicting classifications of pathogenicity. Review status: criteria provided, conflicting classifications (1 of 4 stars). 2 submissions from 2 submitters: Uncertain significance (1); Likely benign (1). Last evaluated 2025-02-01.

Conditions:
Wilson-Turner syndrome (WTS). Also called: MENTAL RETARDATION, X-LINKED, SYNDROMIC 6; INTELLECTUAL DEVELOPMENTAL DISORDER, X-LINKED, SYNDROMIC, WILSON-TURNER TYPE. Identifiers: Orphanet 3459, MedGen C1839736, MONDO:0010665, OMIM 309585.

Allele frequency attached by ClinVar (database versions not stated): TOPMed 0.00004; ExAC 0.00005; gnomAD 0.00005; gnomAD exomes 0.00005.
gnomAD v4.1: 59 of 1,182,877 alleles (0.005%); highest among the groups gnomAD compares: Non-Finnish European, 0.0066%; no homozygotes.

Submissions (2):

CeGaT Center for Human Genetics Tuebingen
Classification: Likely benign. Last evaluated: 2025-02-01. Review status: criteria provided, single submitter. Criteria: CeGaT Center For Human Genetics Tuebingen Variant Classification Criteria Version 2. Collection method: clinical testing. Allele origin: germline. Affected: yes. Observed: 1 variant allele.
Comment: LAS1L: PP2, BP4, BS2

Labcorp Genetics (formerly Invitae), Labcorp
Classification: Uncertain significance for Wilson-Turner syndrome. Last evaluated: 2022-08-05. Review status: criteria provided, single submitter. Criteria: Invitae Variant Classification Sherloc (09022015). Collection method: clinical testing. Allele origin: germline.
Comment: In summary, the available evidence is currently insufficient to determine the role of this variant in disease. Therefore, it has been classified as a Variant of Uncertain Significance. Algorithms developed to predict the effect of missense changes on protein structure and function (SIFT, PolyPhen-2, Align-GVGD) all suggest that this variant is likely to be tolerated. This variant has not been reported in the literature in individuals affected with LAS1L-related conditions. The frequency data for this variant in the population databases is considered unreliable, as metrics indicate poor data quality at this position in the gnomAD database. This sequence change replaces cysteine, which is neutral and slightly polar, with tyrosine, which is neutral and polar, at codon 316 of the LAS1L protein (p.Cys316Tyr).

NM_031206.7(LAS1L):c.947G>A (p.Cys316Tyr)

Gene: LAS1L (LAS1 like ribosome biogenesis factor; minus strand). Cytogenetic location: Xq12.
Variant type: single nucleotide variant.
Coding change: c.947G>A on transcript NM_031206.7 (MANE Select); coding-DNA position 947, G replaced by A.
Protein change: p.Cys316Tyr; replaces cysteine 316 with tyrosine.
Molecular consequence: missense variant. On other transcripts: non-coding transcript variant (1), intron variant (1).
Genome position (GRCh38, 1-based): chrX:65,528,269, C>T on the plus strand (G>A on the coding strand, the complement: LAS1L is on the minus strand). VCF-style: chrX-65528269-C-T. GRCh37 (hg19) VCF-style: chrX-64748149-C-T.
Other names: c.947G>A, p.Cys316Tyr (NM_001170649.2, NM_001375328.1, NM_001375329.1 and 8 more transcripts); c.821G>A, p.Cys274Tyr (NM_001170650.2); c.50+943G>A (NM_001375332.1); short protein forms C316Y, C274Y.
Identifiers: ClinVar variation 1906687 (VCV001906687.18), dbSNP rs752507559, ClinGen allele CA10433999.